The following is an entry in ClinVar:

NM_001040716.2(PC):c.1607C>T (p.Pro536Leu)

Gene: PC (pyruvate carboxylase; minus strand). Cytogenetic location: 11q13.2.
Variant type: single nucleotide variant.
Coding change: c.1607C>T on transcript NM_001040716.2 (MANE Select); coding-DNA position 1607, C replaced by T.
Protein change: p.Pro536Leu; replaces proline 536 with leucine.
Molecular consequence: missense variant.
Genome position (GRCh38, 1-based): chr11:66,852,657, G>A on the plus strand (C>T on the coding strand, the complement: PC is on the minus strand). VCF-style: chr11-66852657-G-A. GRCh37 (hg19) VCF-style: chr11-66620128-G-A.
Other names: c.1607C>T, p.Pro536Leu (NM_000920.4, NM_022172.3); short protein forms P536L.
Identifiers: ClinVar variation 634557 (VCV000634557.11), dbSNP rs751657066, ClinGen allele CA6131310.

ClinVar aggregate classification (germline): Conflicting classifications of pathogenicity. Review status: criteria provided, conflicting classifications (1 of 4 stars). 4 submissions from 4 submitters: Uncertain significance (3); Likely benign (1). Last evaluated 2025-08-14.

Conditions:
Pyruvate carboxylase deficiency. Also called: ATAXIA WITH LACTIC ACIDOSIS II; Pyruvate Carboxylase Deficiency Disease; PC DEFICIENCY; LEIGH NECROTIZING ENCEPHALOPATHY DUE TO PYRUVATE CARBOXYLASE DEFICIENCY; LEIGH SYNDROME DUE TO PYRUVATE CARBOXYLASE DEFICIENCY. Identifiers: Orphanet 3008, MedGen C0034341, MONDO:0009949, OMIM 266150.
Inborn genetic diseases. Identifiers: MedGen C0950123, MeSH D030342.

Allele frequency attached by ClinVar (database versions not stated): ExAC 0.00003; gnomAD 0.00003 and 0.00004; gnomAD exomes 0.00003 and 0.00006; TOPMed 0.00004.
gnomAD v4.1: 42 of 1,613,496 alleles (0.0026%); highest among the groups gnomAD compares: Admixed American, 0.013%; no homozygotes.

Submissions (4):

GeneDx
Classification: Uncertain significance. Last evaluated: 2025-08-14. Review status: criteria provided, single submitter. Criteria: GeneDx Variant Classification Process June 2021. Collection method: clinical testing. Allele origin: germline. Affected: yes.
Comment: In silico analysis suggests that this missense variant does not alter protein structure/function; Has not been previously published as pathogenic or benign to our knowledge

Labcorp Genetics (formerly Invitae), Labcorp
Classification: Likely benign for Pyruvate carboxylase deficiency. Last evaluated: 2025-06-03. Review status: criteria provided, single submitter. Criteria: Invitae Variant Classification Sherloc (09022015). Collection method: clinical testing. Allele origin: germline.

Ambry Genetics
Classification: Uncertain significance for Inborn genetic diseases. Last evaluated: 2022-04-14. Review status: criteria provided, single submitter. Criteria: Ambry Variant Classification Scheme 2023. Collection method: clinical testing. Allele origin: germline.

Genomic Research Center, Shahid Beheshti University of Medical Sciences
Classification: Uncertain significance for Pyruvate carboxylase deficiency. Last evaluated: 2019-01-01. Review status: criteria provided, single submitter. Criteria: ACMG Guidelines, 2015. Collection method: clinical testing. Allele origin: inherited. Affected: yes. Observed: 1 variant allele.